The following is an entry in ClinVar:

ClinVar aggregate classification (germline): Conflicting classifications of pathogenicity. Review status: criteria provided, conflicting classifications (1 of 4 stars). 2 submissions from 2 submitters: Uncertain significance (1); Likely benign (1). Last evaluated 2023-10-17.

Conditions:
Bardet-Biedl syndrome 16 (BBS16). Identifiers: Orphanet 110, MedGen C3889474, MONDO:0014444, OMIM 615993.
Senior-Loken syndrome 7 (SLSN7). Identifiers: Orphanet 3156, MedGen C3150877, MONDO:0013326, OMIM 613615.

Allele frequency attached by ClinVar (database versions not stated): gnomAD exomes 0.00001 and 0.00002; ExAC 0.00002; TOPMed 0.00005; ESP Exome Variant Server 0.00008; gnomAD 0.00008 and 0.00009.
gnomAD v4.1: 36 of 1,613,760 alleles (0.0022%); highest among the groups gnomAD compares: Non-Finnish European, 0.0031%; no homozygotes.

Submissions (2):

Blueprint Genetics
Classification: Likely benign. Last evaluated: 2023-10-17. Review status: criteria provided, single submitter. Criteria: ACMG Guidelines, 2015. Collection method: clinical testing. Allele origin: germline.

Labcorp Genetics (formerly Invitae), Labcorp
Classification: Uncertain significance for Bardet-Biedl syndrome 16; Senior-Loken syndrome 7. Last evaluated: 2022-09-06. Review status: criteria provided, single submitter. Criteria: Invitae Variant Classification Sherloc (09022015). Collection method: clinical testing. Allele origin: germline.
Comment: This sequence change falls in intron 2 of the SDCCAG8 gene. It does not directly change the encoded amino acid sequence of the SDCCAG8 protein. It affects a nucleotide within the consensus splice site. This variant is present in population databases (rs370361491, gnomAD 0.003%). This variant has not been reported in the literature in individuals affected with SDCCAG8-related conditions. ClinVar contains an entry for this variant (Variation ID: 1046942). Variants that disrupt the consensus splice site are a relatively common cause of aberrant splicing (PMID: 17576681, 9536098). Algorithms developed to predict the effect of sequence changes on RNA splicing suggest that this variant is not likely to affect RNA splicing. In summary, the available evidence is currently insufficient to determine the role of this variant in disease. Therefore, it has been classified as a Variant of Uncertain Significance.

Literature cited by the submitters: PubMed 17576681 (cited by Labcorp Genetics (formerly Invitae), Labcorp); PubMed 9536098 (cited by Labcorp Genetics (formerly Invitae), Labcorp).

NM_006642.5(SDCCAG8):c.220+3G>A

Gene: SDCCAG8 (SHH signaling and ciliogenesis regulator SDCCAG8; plus strand). Cytogenetic location: 1q43.
Variant type: single nucleotide variant.
Coding change: c.220+3G>A on transcript NM_006642.5 (MANE Select); 3 bases into the intron after coding-DNA position 220, G replaced by A.
Molecular consequence: intron variant.
Genome position (GRCh38, 1-based): chr1:243,270,260, G>A. VCF-style: chr1-243270260-G-A. GRCh37 (hg19) VCF-style: chr1-243433562-G-A.
Other names: c.-75+3G>A (NM_001350249.2); c.-1154+3G>A (NM_001350251.2); c.220+3G>A (NM_001350248.2); c.-893+3G>A (NM_001350246.2); c.-781+3G>A (NM_001350247.2).
Identifiers: ClinVar variation 1046942 (VCV001046942.5), dbSNP rs370361491, ClinGen allele CA1483223.